The following is an entry in ClinVar:

NM_000391.4(TPP1):c.1601A>G (p.Gln534Arg)

Gene: TPP1 (tripeptidyl peptidase 1; minus strand). Cytogenetic location: 11p15.4.
Variant type: single nucleotide variant.
Coding change: c.1601A>G on transcript NM_000391.4 (MANE Select); coding-DNA position 1601, A replaced by G.
Protein change: p.Gln534Arg; replaces glutamine 534 with arginine.
Molecular consequence: missense variant.
Genome position (GRCh38, 1-based): chr11:6,614,637, T>C on the plus strand (A>G on the coding strand, the complement: TPP1 is on the minus strand). VCF-style: chr11-6614637-T-C. GRCh37 (hg19) VCF-style: chr11-6635868-T-C.
Other names: short protein forms Q534R.
Identifiers: ClinVar variation 2096176 (VCV002096176.1), dbSNP rs2493795202, ClinGen allele CA379472120.

ClinVar aggregate classification (germline): Uncertain significance (1 of 4 stars; one submission).

Submission:

Labcorp Genetics (formerly Invitae), Labcorp
Classification: Uncertain significance. Last evaluated: 2022-04-13. Review status: criteria provided, single submitter. Criteria: Invitae Variant Classification Sherloc (09022015). Collection method: clinical testing. Allele origin: germline.
Comment: This sequence change replaces glutamine, which is neutral and polar, with arginine, which is basic and polar, at codon 534 of the TPP1 protein (p.Gln534Arg). This variant is not present in population databases (gnomAD no frequency). This variant has not been reported in the literature in individuals affected with TPP1-related conditions. Advanced modeling of protein sequence and biophysical properties (such as structural, functional, and spatial information, amino acid conservation, physicochemical variation, residue mobility, and thermodynamic stability) performed at Invitae indicates that this missense variant is not expected to disrupt TPP1 protein function. In summary, the available evidence is currently insufficient to determine the role of this variant in disease. Therefore, it has been classified as a Variant of Uncertain Significance.